The following is an entry in ClinVar:

ClinVar aggregate classification (germline): Conflicting classifications of pathogenicity. Review status: criteria provided, conflicting classifications (1 of 4 stars). 6 submissions from 6 submitters: Uncertain significance (2); Likely benign (2). 2 of the submissions do not count toward it. Last evaluated 2026-09-01.

Conditions:
Cardiovascular phenotype. Identifiers: MedGen CN230736.
Cardiomyopathy (CMYO). Also called: Cardiomyopathies. Identifiers: Orphanet 167848, MedGen C0878544, MONDO:0004994, HP:0001638. Inheritance: Various modes of inheritance.
Arrhythmogenic right ventricular dysplasia 5. Also called: Arrhythmogenic Right Ventricular Dysplasia/Cardiomyopathy 5; ARRHYTHMOGENIC RIGHT VENTRICULAR DYSPLASIA, FAMILIAL, 5. Identifiers: MedGen C1858379, MONDO:0011459, OMIM 604400.

Allele frequency attached by ClinVar (database versions not stated): gnomAD 0.00003; TOPMed 0.00003; 1000 Genomes Project 30x 0.00016; 1000 Genomes Project 0.00020; gnomAD exomes below 0.00001 and 0.00002; ExAC 0.00002.
gnomAD v4.1: 14 of 1,614,160 alleles (0.00087%); highest among the groups gnomAD compares: African/African-American, 0.008%; no homozygotes.

Submissions (6):

CeGaT Center for Human Genetics Tuebingen
Classification: Likely benign. Last evaluated: 2026-09-01. Review status: criteria provided, single submitter. Criteria: CeGaT Center For Human Genetics Tuebingen Variant Classification Criteria Version 2. Collection method: clinical testing. Allele origin: germline. Affected: yes. Observed: 1 variant allele.
Comment: TMEM43: BP4

Labcorp Genetics (formerly Invitae), Labcorp
Classification: Uncertain significance for Arrhythmogenic right ventricular dysplasia 5. Last evaluated: 2025-06-29. Review status: criteria provided, single submitter. Criteria: Invitae Variant Classification Sherloc (09022015). Collection method: clinical testing. Allele origin: germline.
Comment: This sequence change replaces aspartic acid, which is acidic and polar, with asparagine, which is neutral and polar, at codon 136 of the TMEM43 protein (p.Asp136Asn). This variant is present in population databases (rs559271953, gnomAD 0.01%). This variant has not been reported in the literature in individuals affected with TMEM43-related conditions. ClinVar contains an entry for this variant (Variation ID: 862086). Invitae Evidence Modeling of protein sequence and biophysical properties (such as structural, functional, and spatial information, amino acid conservation, physicochemical variation, residue mobility, and thermodynamic stability) indicates that this missense variant is not expected to disrupt TMEM43 protein function with a negative predictive value of 80%. In summary, the available evidence is currently insufficient to determine the role of this variant in disease. Therefore, it has been classified as a Variant of Uncertain Significance.

Ambry Genetics
Classification: Likely benign for Cardiovascular phenotype. Last evaluated: 2024-09-10. Review status: criteria provided, single submitter. Criteria: Ambry Variant Classification Scheme 2023. Collection method: clinical testing. Allele origin: germline.

Color Diagnostics, LLC DBA Color Health
Classification: Uncertain significance for Cardiomyopathy. Last evaluated: 2023-11-22. Review status: criteria provided, single submitter. Criteria: ACMG Guidelines, 2015. Collection method: clinical testing. Allele origin: germline.
Comment: This missense variant replaces aspartic acid with asparagine at codon 136 of the TMEM43 protein. Computational prediction suggests that this variant may not impact protein structure and function. To our knowledge, functional studies have not been reported for this variant. This variant has not been reported in individuals affected with TMEM43-related disorders in the literature. This variant has been identified in 5/282766 chromosomes in the general population by the Genome Aggregation Database (gnomAD). The available evidence is insufficient to determine the role of this variant in disease conclusively. Therefore, this variant is classified as a Variant of Uncertain Significance.

Clinical Genetics DNA and cytogenetics Diagnostics Lab, Erasmus MC, Erasmus Medical Center
Classification: Likely benign. Review status: no assertion criteria provided. Collection method: clinical testing. Allele origin: germline. Affected: yes. Study: VKGL Data-share Consensus. Not counted in ClinVar's aggregate classification.

Clinical Genetics, Academic Medical Center
Classification: Likely benign. Review status: no assertion criteria provided. Collection method: clinical testing. Allele origin: germline. Affected: yes. Study: VKGL Data-share Consensus. Not counted in ClinVar's aggregate classification.

NM_024334.3(TMEM43):c.406G>A (p.Asp136Asn)

Gene: TMEM43 (transmembrane protein 43; plus strand). Cytogenetic location: 3p25.1.
Variant type: single nucleotide variant.
Coding change: c.406G>A on transcript NM_024334.3 (MANE Select); coding-DNA position 406, G replaced by A.
Protein change: p.Asp136Asn; replaces aspartic acid 136 with asparagine.
Molecular consequence: missense variant.
Genome position (GRCh38, 1-based): chr3:14,132,559, G>A. VCF-style: chr3-14132559-G-A. GRCh37 (hg19) VCF-style: chr3-14174059-G-A.
Other names: short protein forms D136N.
Identifiers: ClinVar variation 862086 (VCV000862086.14), dbSNP rs559271953, ClinGen allele CA053454.